The following is an entry in ClinVar:

ClinVar aggregate classification (germline): Uncertain significance (1 of 4 stars; one submission).

Conditions:
Cortical dysplasia, complex, with other brain malformations 13. Also called: Intellectual disability, autosomal dominant 13. Identifiers: MedGen C3281202, MONDO:0013805, OMIM 614563.

Submission:

Institute of Human Genetics, University of Leipzig Medical Center
Classification: Uncertain significance for Cortical dysplasia, complex, with other brain malformations 13. Last evaluated: 2022-06-21. Review status: criteria provided, single submitter. Criteria: ACMG Guidelines, 2015. Collection method: clinical testing. Allele origin: unknown. Affected: yes.
Comment: Despite strong evidence for its pathogenicity, this variant has to be classified as of unknown significance, according to the ACMG-criteria (Richards et al., 2015)_x000D_ Criteria applied: PM4_STR, PM2_SUP

NM_001376.5:c.(4883+1_4884-1)_(8177+1_8178-1)del

Gene: DYNC1H1 (dynein cytoplasmic 1 heavy chain 1; plus strand).
Variant type: Deletion.
Other names: c.(4883+1_4884-1)_(8177+1_8178-1)del (NM_001376.5).
Identifiers: ClinVar variation 1697295 (VCV001697295.1).